The following is an entry in ClinVar:

ClinVar aggregate classification (germline): Conflicting classifications of pathogenicity. Review status: criteria provided, conflicting classifications (1 of 4 stars). 2 submissions from 2 submitters: Uncertain significance (1); Likely benign (1). Last evaluated 2025-04-14.

Conditions:
Inborn genetic diseases. Identifiers: MedGen C0950123, MeSH D030342.
Seizures, benign familial infantile, 3 (BFIS3). Also called: CONVULSIONS, BENIGN FAMILIAL INFANTILE, 3; Familial neonatal seizures. Identifiers: Orphanet 140927, Orphanet 306, MedGen C1843140, MONDO:0011904, OMIM 607745.
Developmental and epileptic encephalopathy, 11 (DEE11). Also called: Early infantile epileptic encephalopathy 11. Identifiers: Orphanet 1934, MedGen C3150987, MONDO:0013388, OMIM 613721.

Allele frequency attached by ClinVar (database versions not stated): gnomAD exomes below 0.00001; gnomAD 0.00001; TOPMed 0.00001.

Submissions (2):

Ambry Genetics
Classification: Uncertain significance for Inborn genetic diseases. Last evaluated: 2025-04-14. Review status: criteria provided, single submitter. Criteria: Ambry Variant Classification Scheme 2023. Collection method: clinical testing. Allele origin: germline.
Comment: The c.2389-6A>G intronic alteration consists of an A to G substitution 6 nucleotides before exon 15 (coding exon 14) of the SCN2A gene. Based on insufficient or conflicting evidence, the clinical significance of this alteration remains unclear.

Labcorp Genetics (formerly Invitae), Labcorp
Classification: Likely benign for Seizures, benign familial infantile, 3; Developmental and epileptic encephalopathy, 11. Last evaluated: 2021-02-19. Review status: criteria provided, single submitter. Criteria: Invitae Variant Classification Sherloc (09022015). Collection method: clinical testing. Allele origin: germline.

NM_001040142.2(SCN2A):c.2389-6A>G

Gene: SCN2A (sodium voltage-gated channel alpha subunit 2; plus strand). Cytogenetic location: 2q24.3.
Variant type: single nucleotide variant.
Coding change: c.2389-6A>G on transcript NM_001040142.2 (MANE Select); 6 bases into the intron before coding-DNA position 2389, A replaced by G.
Molecular consequence: intron variant.
Genome position (GRCh38, 1-based): chr2:165,342,290, A>G. VCF-style: chr2-165342290-A-G. GRCh37 (hg19) VCF-style: chr2-166198800-A-G.
Other names: c.2389-6A>G (NM_001040143.2, NM_001371246.1, NM_001371247.1 and 2 more transcripts).
Identifiers: ClinVar variation 1638928 (VCV001638928.9), dbSNP rs1370290520, ClinGen allele CA760107905.